The following is an entry in ClinVar:

NM_000179.3(MSH6):c.1737T>C (p.Cys579=)

Gene: MSH6 (mutS homolog 6; plus strand). Cytogenetic location: 2p16.3.
Variant type: single nucleotide variant.
Coding change: c.1737T>C on transcript NM_000179.3 (MANE Select); coding-DNA position 1737, T replaced by C.
Protein change: p.Cys579=; no amino-acid change (cysteine 579 retained).
Molecular consequence: synonymous variant.
Genome position (GRCh38, 1-based): chr2:47,799,720, T>C. VCF-style: chr2-47799720-T-C. GRCh37 (hg19) VCF-style: chr2-48026859-T-C.
Other names: c.1347T>C, p.Cys449= (NM_001281492.2); c.831T>C, p.Cys277= (NM_001281493.2, NM_001281494.2); c.1737T>C (NM_000179.2).
Identifiers: ClinVar variation 1098071 (VCV001098071.13), dbSNP rs1669367521, ClinGen allele CA426121029.

ClinVar aggregate classification (germline): Benign/Likely benign. Review status: criteria provided, multiple submitters, no conflicts (2 of 4 stars). 4 submissions from 4 submitters: Benign (1); Likely benign (3). Last evaluated 2026-07-20.

Conditions:
Hereditary nonpolyposis colorectal neoplasms. Identifiers: MedGen C0009405, MeSH D003123.
Lynch syndrome 5 (LYNCH5). Also called: Colorectal cancer, hereditary nonpolyposis, type 5; Hereditary non-polyposis colorectal cancer, type 5. Identifiers: Orphanet 144, MedGen C1833477, MONDO:0013710, OMIM 614350. Disease mechanism: loss of function.
Hereditary cancer-predisposing syndrome. Also called: Neoplastic Syndromes, Hereditary; Tumor predisposition; Hereditary Cancer Syndrome; Hereditary neoplastic syndrome. Identifiers: Orphanet 140162, MedGen C0027672, MeSH D009386, MONDO:0015356.

Allele frequency attached by ClinVar (database versions not stated): gnomAD exomes below 0.00001; TOPMed below 0.00001.
gnomAD v4.1: 1 of 1,614,196 alleles (0.000062%); highest among the groups gnomAD compares: Non-Finnish European, 0.000085%; no homozygotes.

Submissions (4):

Ambry Genetics
Classification: Likely benign for Hereditary cancer-predisposing syndrome. Last evaluated: 2026-07-20. Review status: criteria provided, single submitter. Criteria: Ambry Variant Classification Scheme 2023. Collection method: clinical testing. Allele origin: germline.

Myriad Genetics, Inc.
Classification: Benign for Lynch syndrome 5. Last evaluated: 2024-12-27. Review status: criteria provided, single submitter. Criteria: Myriad Autosomal Dominant, Autosomal Recessive and X-Linked Classification Criteria (2023). Collection method: clinical testing. Allele origin: unknown.
Comment: This variant is considered benign. This variant is a silent/synonymous amino acid change and it is not expected to impact splicing.

Labcorp Genetics (formerly Invitae), Labcorp
Classification: Likely benign for Hereditary nonpolyposis colorectal neoplasms. Last evaluated: 2024-06-28. Review status: criteria provided, single submitter. Criteria: Invitae Variant Classification Sherloc (09022015). Collection method: clinical testing. Allele origin: germline.

Color Diagnostics, LLC DBA Color Health
Classification: Likely benign for Hereditary cancer-predisposing syndrome. Last evaluated: 2022-03-21. Review status: criteria provided, single submitter. Criteria: ACMG Guidelines, 2015. Collection method: clinical testing. Allele origin: germline.